The following is an entry in ClinVar:

ClinVar aggregate classification (germline): Uncertain significance (1 of 4 stars; one submission).

gnomAD v4.1: 10 of 1,611,030 alleles (0.00062%); highest among the groups gnomAD compares: South Asian, 0.01%; no homozygotes.

Submission:

GeneDx
Classification: Uncertain significance. Last evaluated: 2021-08-26. Review status: criteria provided, single submitter. Criteria: GeneDx Variant Classification Process June 2021. Collection method: clinical testing. Allele origin: germline. Affected: yes.
Comment: Has not been previously published as pathogenic or benign to our knowledge; Not observed at significant frequency in large population cohorts (Lek et al., 2016); In silico analysis supports that this variant does not alter splicing

NM_001127222.2(CACNA1A):c.1035C>A (p.Ile345=)

Genes: CACNA1A (calcium voltage-gated channel subunit alpha1 A; minus strand), LOC126862866 (MED14-independent group 3 enhancer GRCh37_chr19:13445719-13446918; plus strand). Cytogenetic location: 19p13.13.
Variant type: single nucleotide variant.
Coding change: c.1035C>A on transcript NM_001127222.2 (MANE Select); coding-DNA position 1035, C replaced by A.
Protein change: p.Ile345=; no amino-acid change (isoleucine 345 retained).
Molecular consequence: synonymous variant.
Genome position (GRCh38, 1-based): chr19:13,335,853, G>T on the plus strand (C>A on the coding strand, the complement: CACNA1A is on the minus strand). VCF-style: chr19-13335853-G-T. GRCh37 (hg19) VCF-style: chr19-13446667-G-T.
Other names: c.1035C>A, p.Ile345= (NM_000068.4, NM_001127221.2, NM_001174080.2 and 1 more transcripts).
Identifiers: ClinVar variation 1254026 (VCV001254026.2), dbSNP rs779827819, ClinGen allele CA9240924.